The following is an entry in ClinVar:

NM_001082486.2(ACD):c.862G>A (p.Glu288Lys)

Gene: ACD (ACD shelterin complex subunit and telomerase recruitment factor; minus strand). Cytogenetic location: 16q22.1.
Variant type: single nucleotide variant.
Coding change: c.862G>A on transcript NM_001082486.2 (MANE Select); coding-DNA position 862, G replaced by A.
Protein change: p.Glu288Lys; replaces glutamic acid 288 with lysine.
Molecular consequence: missense variant.
Genome position (GRCh38, 1-based): chr16:67,658,330, C>T on the plus strand (G>A on the coding strand, the complement: ACD is on the minus strand). VCF-style: chr16-67658330-C-T. GRCh37 (hg19) VCF-style: chr16-67692233-C-T.
Other names: c.853G>A, p.Glu285Lys (NM_022914.3); short protein forms E288K, E285K.
Identifiers: ClinVar variation 1404342 (VCV001404342.13), dbSNP rs200298308, ClinGen allele CA8114489.

ClinVar aggregate classification (germline): Uncertain significance. Review status: criteria provided, multiple submitters, no conflicts (2 of 4 stars). 3 submissions from 3 submitters: Uncertain significance (2). 1 of the submissions does not count toward it. Last evaluated 2026-01-14.

Conditions:
Inborn genetic diseases. Identifiers: MedGen C0950123, MeSH D030342.
ACD-related disorder. Also called: ACD-related condition.
Dyskeratosis congenita, autosomal dominant 6 (DKCA6). Identifiers: Orphanet 3322, MedGen C4225284, MONDO:0014690, OMIM 616553.

Allele frequency attached by ClinVar (database versions not stated): gnomAD 0.00001 and 0.00003; TOPMed 0.00001; ExAC 0.00002; gnomAD exomes 0.00003; 1000 Genomes Project 30x 0.00016; 1000 Genomes Project 0.00020.
gnomAD v4.1: 29 of 1,613,798 alleles (0.0018%); highest among the groups gnomAD compares: East Asian, 0.04%; no homozygotes.

Submissions (3):

Labcorp Genetics (formerly Invitae), Labcorp
Classification: Uncertain significance for Dyskeratosis congenita, autosomal dominant 6. Last evaluated: 2026-01-14. Review status: criteria provided, single submitter. Criteria: Invitae Variant Classification Sherloc (09022015). Collection method: clinical testing. Allele origin: germline.
Comment: This sequence change replaces glutamic acid, which is acidic and polar, with lysine, which is basic and polar, at codon 374 of the ACD protein (p.Glu374Lys). This variant is present in population databases (rs200298308, gnomAD 0.03%). This variant has not been reported in the literature in individuals affected with ACD-related conditions. ClinVar contains an entry for this variant (Variation ID: 1404342). Invitae Evidence Modeling of protein sequence and biophysical properties (such as structural, functional, and spatial information, amino acid conservation, physicochemical variation, residue mobility, and thermodynamic stability) indicates that this missense variant is not expected to disrupt ACD protein function with a negative predictive value of 80%. In summary, the available evidence is currently insufficient to determine the role of this variant in disease. Therefore, it has been classified as a Variant of Uncertain Significance.

Ambry Genetics
Classification: Uncertain significance for Inborn genetic diseases. Last evaluated: 2025-11-03. Review status: criteria provided, single submitter. Criteria: Ambry Variant Classification Scheme 2023. Collection method: clinical testing. Allele origin: germline.

PreventionGenetics, part of Exact Sciences
Classification: Uncertain significance for ACD-related condition. Last evaluated: 2023-10-28. Review status: no assertion criteria provided. Collection method: clinical testing. Allele origin: germline. Not counted in ClinVar's aggregate classification.
Comment: The ACD c.1120G>A variant is predicted to result in the amino acid substitution p.Glu374Lys. To our knowledge, this variant has not been reported in the literature. This variant is reported in 0.022% of alleles in individuals of East Asian descent in gnomAD. At this time, the clinical significance of this variant is uncertain due to the absence of conclusive functional and genetic evidence.